The following is an entry in ClinVar:

ClinVar aggregate classification (germline): Uncertain significance (1 of 4 stars; one submission).

Conditions:
Autosomal dominant polycystic kidney disease. Identifiers: Orphanet 730, MedGen C0085413, MONDO:0004691.

gnomAD v4.1: 11 of 1,613,978 alleles (0.00068%); highest among the groups gnomAD compares: South Asian, 0.0044%; no homozygotes.

Submission:

Labcorp Genetics (formerly Invitae), Labcorp
Classification: Uncertain significance for Autosomal dominant polycystic kidney disease. Last evaluated: 2024-12-08. Review status: criteria provided, single submitter. Criteria: Invitae Variant Classification Sherloc (09022015). Collection method: clinical testing. Allele origin: germline.
Comment: This sequence change replaces valine, which is neutral and non-polar, with methionine, which is neutral and non-polar, at codon 865 of the PKD2 protein (p.Val865Met). This variant is present in population databases (no rsID available, gnomAD 0.003%). This missense change has been observed in individual(s) with PKD2-related conditions (PMID: 33168999). Invitae Evidence Modeling of protein sequence and biophysical properties (such as structural, functional, and spatial information, amino acid conservation, physicochemical variation, residue mobility, and thermodynamic stability) indicates that this missense variant is not expected to disrupt PKD2 protein function with a negative predictive value of 80%. In summary, the available evidence is currently insufficient to determine the role of this variant in disease. Therefore, it has been classified as a Variant of Uncertain Significance.

Literature cited by the submitters: PubMed 33168999.

NM_000297.4(PKD2):c.2593G>A (p.Val865Met)

Gene: PKD2 (polycystin 2, transient receptor potential cation channel; plus strand). Cytogenetic location: 4q22.1.
Variant type: single nucleotide variant.
Coding change: c.2593G>A on transcript NM_000297.4 (MANE Select); coding-DNA position 2593, G replaced by A.
Protein change: p.Val865Met; replaces valine 865 with methionine.
Molecular consequence: missense variant. On other transcripts: non-coding transcript variant (1).
Genome position (GRCh38, 1-based): chr4:88,074,882, G>A. VCF-style: chr4-88074882-G-A. GRCh37 (hg19) VCF-style: chr4-88996034-G-A.
Other names: short protein forms V865M.
Identifiers: ClinVar variation 3704400 (VCV003704400.2).